The following is an entry in ClinVar:

NM_005993.5(TBCD):c.796C>T (p.Arg266Cys)

Gene: TBCD (tubulin folding cofactor D). Cytogenetic location: 17q25.3.
Variant type: single nucleotide variant.
Coding change: c.796C>T on transcript NM_005993.5 (MANE Select); coding-DNA position 796, C replaced by T.
Protein change: p.Arg266Cys; replaces arginine 266 with cysteine.
Molecular consequence: missense variant.
Genome position (GRCh38, 1-based): chr17:82,797,781, C>T. VCF-style: chr17-82797781-C-T. GRCh37 (hg19) VCF-style: chr17-80755657-C-T.
Other names: short protein forms R266C.
Identifiers: ClinVar variation 1215358 (VCV001215358.8), dbSNP rs563325518, ClinGen allele CA8861762.

ClinVar aggregate classification (germline): Uncertain significance. Review status: criteria provided, multiple submitters, no conflicts (2 of 4 stars). 3 submissions from 3 submitters: Uncertain significance (3). Last evaluated 2024-04-22.

Allele frequency attached by ClinVar (database versions not stated): ExAC 0.00001; gnomAD 0.00001; gnomAD exomes 0.00001; TOPMed 0.00003; 1000 Genomes Project 30x 0.00016; 1000 Genomes Project 0.00020.
gnomAD v4.1: 9 of 1,547,036 alleles (0.00058%); highest among the groups gnomAD compares: South Asian, 0.0072%; no homozygotes.

Submissions (3):

GeneDx
Classification: Uncertain significance. Last evaluated: 2024-04-22. Review status: criteria provided, single submitter. Criteria: GeneDx Variant Classification Process June 2021. Collection method: clinical testing. Allele origin: germline. Affected: yes.
Comment: In silico analysis supports that this missense variant has a deleterious effect on protein structure/function; Has not been previously published as pathogenic or benign to our knowledge

Labcorp Genetics (formerly Invitae), Labcorp
Classification: Uncertain significance. Last evaluated: 2024-03-07. Review status: criteria provided, single submitter. Criteria: Invitae Variant Classification Sherloc (09022015). Collection method: clinical testing. Allele origin: germline.
Comment: This sequence change replaces arginine, which is basic and polar, with cysteine, which is neutral and slightly polar, at codon 266 of the TBCD protein (p.Arg266Cys). The frequency data for this variant in the population databases is considered unreliable, as metrics indicate poor data quality at this position in the gnomAD database. This variant has not been reported in the literature in individuals affected with TBCD-related conditions. ClinVar contains an entry for this variant (Variation ID: 1215358). Advanced modeling of protein sequence and biophysical properties (such as structural, functional, and spatial information, amino acid conservation, physicochemical variation, residue mobility, and thermodynamic stability) performed at Invitae indicates that this missense variant is expected to disrupt TBCD protein function with a positive predictive value of 95%. In summary, the available evidence is currently insufficient to determine the role of this variant in disease. Therefore, it has been classified as a Variant of Uncertain Significance.

Women's Health and Genetics/Laboratory Corporation of America, LabCorp
Classification: Uncertain significance. Last evaluated: 2024-02-02. Review status: criteria provided, single submitter. Criteria: LabCorp Variant Classification Summary - May 2015. Collection method: clinical testing. Allele origin: germline.
Comment: Variant summary: TBCD c.796C>T (p.Arg266Cys) results in a non-conservative amino acid change in the encoded protein sequence. Five of five in-silico tools predict a damaging effect of the variant on protein function. The variant allele was found at a frequency of 5.8e-06 in 1547036 control chromosomes. The available data on variant occurrences in the general population are insufficient to allow any conclusion about variant significance. To our knowledge, no occurrence of c.796C>T in individuals affected with Encephalopathy, Early Onset and no experimental evidence demonstrating its impact on protein function have been reported. ClinVar contains an entry for this variant (Variation ID: 1215358). Based on the evidence outlined above, the variant was classified as uncertain significance.